The following is an entry in ClinVar:

ClinVar aggregate classification (germline): Conflicting classifications of pathogenicity. Review status: criteria provided, conflicting classifications (1 of 4 stars). 5 submissions from 5 submitters: Likely pathogenic (1); Uncertain significance (3); Likely benign (1). Last evaluated 2025-07-16.

gnomAD v4.1: 1 of 1,613,576 alleles (0.000062%); no homozygotes.

Submissions (5):

Athena Diagnostics
Classification: Likely pathogenic. Last evaluated: 2025-07-16. Review status: criteria provided, single submitter. Criteria: Athena Diagnostics Criteria. Collection method: clinical testing. Allele origin: unknown.
Comment: Individuals with this variant are reported to have clinical presentation consistent with T2D, and not MODY (PMID: 36649380, 39892506). This variant has been reported to be enriched in individuals with type 2 diabetes (T2D) from Greenland, indicating an increased risk of T2D for individuals with this variant (PMID: 36649380). Assessment of experimental evidence suggests this variant results in abnormal RNA splicing (PMID: 36649380). The frequency of this variant in the general population is consistent with pathogenicity.

Women's Health and Genetics/Laboratory Corporation of America, LabCorp
Classification: Likely benign. Last evaluated: 2024-06-20. Review status: criteria provided, single submitter. Criteria: LabCorp Variant Classification Summary - May 2015. Collection method: clinical testing. Allele origin: germline.
Comment: Variant summary: HNF1A c.1108G>T (p.Val370Phe) results in a non-conservative amino acid change located in the Hepatocyte nuclear factor 1, beta isoform, C-terminal domain (IPR006897) of the encoded protein sequence. Five of five in-silico tools predict a damaging effect of the variant on protein function. Several computational tools predict a significant impact on normal splicing: Two predict the variant weakens the canonical 3' acceptor site. Two predict the variant creates a 3' acceptor site. One predict the variant no significant impact on splicing. This variant may skip exon 6 by a minigene splicing assay (Thuesen_2023), however, such assay is not deemed reliable due to limitations of the study design. The variant allele was found at a frequency of 0.00046 in 258200 control chromosomes from Greenland (Thuesen_2023) and gnomAD. The observed variant frequency is approximately 18 fold of the estimated maximal expected allele frequency for a pathogenic variant in HNF1A causing Maturity Onset Diabetes Of The Young 3 phenotype (2.5e-05). c.1108G>T has been reported in a case-control study for T2D risk based on adult population in Greenland (Thuesen_2023). These report(s) do not provide unequivocal conclusions about association of the variant with Maturity Onset Diabetes Of The Young 3. At least one publication reports experimental evidence evaluating an impact on protein function. These results showed no damaging effect of this variant by measuring luciferase activity and Western blotting (Thuesen_2023). The following publication has been ascertained in the context of this evaluation (PMID: 36649380). ClinVar contains an entry for this variant (Variation ID: 1691372). Based on the evidence outlined above, the variant was classified as likely benign.

Blueprint Genetics
Classification: Uncertain significance. Last evaluated: 2024-02-12. Review status: criteria provided, single submitter. Criteria: ACMG Guidelines, 2015. Collection method: clinical testing. Allele origin: germline.

Labcorp Genetics (formerly Invitae), Labcorp
Classification: Uncertain significance. Last evaluated: 2023-07-21. Review status: criteria provided, single submitter. Criteria: Invitae Variant Classification Sherloc (09022015). Collection method: clinical testing. Allele origin: germline.
Comment: This sequence change replaces valine, which is neutral and non-polar, with phenylalanine, which is neutral and non-polar, at codon 370 of the HNF1A protein (p.Val370Phe). This variant is not present in population databases (gnomAD no frequency). This variant has not been reported in the literature in individuals affected with HNF1A-related conditions. ClinVar contains an entry for this variant (Variation ID: 1691372). An algorithm developed to predict the effect of missense changes on protein structure and function (PolyPhen-2) suggests that this variant is likely to be disruptive. Algorithms developed to predict the effect of sequence changes on RNA splicing suggest that this variant may create or strengthen a splice site. In summary, the available evidence is currently insufficient to determine the role of this variant in disease. Therefore, it has been classified as a Variant of Uncertain Significance.

Seattle Children's Hospital Molecular Genetics Laboratory, Seattle Children's Hospital
Classification: Uncertain significance. Last evaluated: 2019-05-06. Review status: criteria provided, single submitter. Criteria: ACMG Guidelines, 2015. Collection method: clinical testing. Allele origin: germline. Affected: yes. Observed: 2 variant alleles.
Comment: The c.1108G>T variant involves the first nucleotide in exon 6 of HNF1A. This substitution replaces the valine at amino acid position 370 with phenylalanine; whether or not this change has an effect on splicing is unknown. This variant is undocumented in the literature, the Human Gene Mutation Database (HGMD), ClinVar, and the Leiden Open Variation Database. It is also not present in population databases including the Single Nucleotide Polymorphism (dbSNP), Exome Variant Server, 1000 Genomes, or the Genome Aggregation (gnomAD) databases to date. The nucleotide position is moderately conserved between species.

Literature cited by the submitters: PubMed 36649380 (cited by Athena Diagnostics and Women's Health and Genetics/Laboratory Corporation of America, LabCorp); PubMed 39892506 (cited by Athena Diagnostics).

NM_000545.8(HNF1A):c.1108G>T (p.Val370Phe)

Gene: HNF1A (HNF1 homeobox A; plus strand). Cytogenetic location: 12q24.31.
Variant type: single nucleotide variant.
Coding change: c.1108G>T on transcript NM_000545.8 (MANE Select); coding-DNA position 1108, G replaced by T.
Protein change: p.Val370Phe; replaces valine 370 with phenylalanine.
Molecular consequence: missense variant.
Genome position (GRCh38, 1-based): chr12:120,996,541, G>T. VCF-style: chr12-120996541-G-T. GRCh37 (hg19) VCF-style: chr12-121434344-G-T.
Other names: c.1108G>T, p.Val370Phe (NM_001306179.2); short protein forms V370F.
Identifiers: ClinVar variation 1691372 (VCV001691372.9), dbSNP rs2135845768, ClinGen allele CA386968847.